The following is an entry in ClinVar:

NM_006393.3(NEBL):c.2306C>T (p.Ala769Val)

Gene: NEBL (nebulette; minus strand). Cytogenetic location: 10p12.31.
Variant type: single nucleotide variant.
Coding change: c.2306C>T on transcript NM_006393.3 (MANE Select); coding-DNA position 2306, C replaced by T.
Protein change: p.Ala769Val; replaces alanine 769 with valine.
Molecular consequence: missense variant. On other transcripts: intron variant (9).
Genome position (GRCh38, 1-based): chr10:20,813,979, G>A on the plus strand (C>T on the coding strand, the complement: NEBL is on the minus strand). VCF-style: chr10-20813979-G-A. GRCh37 (hg19) VCF-style: chr10-21102908-G-A.
Other names: c.250-1039C>T (NM_001377326.1, NM_001377327.1, NM_001377328.1); c.358-1039C>T (NM_213569.2, NM_001173484.2, NM_001377322.1); c.301-1039C>T (NM_001377324.1); c.292-1039C>T (NM_001377325.1); c.310-1039C>T (NM_001377323.1); short protein forms A769V.
Identifiers: ClinVar variation 3878614 (VCV003878614.1).
Genomic context (GRCh38, chr10:20,813,979, plus strand): 5'-ATGATCTGGTTGGACCCTACCATTGAAATATGATTTTGTGCTTCTTTAACATGTCTCATA[G>A]CAGGTGTATCTAAAATCAGACTTGGTCTACCTTTCATCTGTTTATGGTCCTGGGTATATT-3'
Protein context (NP_006384.1, residues 759-779): GRPSLILDTP[Ala769Val]MRHVKEAQNH

ClinVar aggregate classification (germline): Uncertain significance (1 of 4 stars; one submission).

Submission:

Ambry Genetics
Classification: Uncertain significance. Last evaluated: 2025-01-04. Review status: criteria provided, single submitter. Criteria: Ambry Variant Classification Scheme 2023. Collection method: clinical testing. Allele origin: germline.
Comment: The p.A769V variant (also known as c.2306C>T), located in coding exon 23 of the NEBL gene, results from a C to T substitution at nucleotide position 2306. The alanine at codon 769 is replaced by valine, an amino acid with similar properties. This amino acid position is conserved. In addition, this alteration is predicted to be tolerated by in silico analysis. Based on the available evidence, the clinical significance of this variant remains unclear.